The following is an entry in ClinVar:

NM_199242.3(UNC13D):c.2377C>T (p.Pro793Ser)

Gene: UNC13D (unc-13 homolog D; minus strand). Cytogenetic location: 17q25.1.
Variant type: single nucleotide variant.
Coding change: c.2377C>T on transcript NM_199242.3 (MANE Select); coding-DNA position 2377, C replaced by T.
Protein change: p.Pro793Ser; replaces proline 793 with serine.
Molecular consequence: missense variant.
Genome position (GRCh38, 1-based): chr17:75,833,036, G>A on the plus strand (C>T on the coding strand, the complement: UNC13D is on the minus strand). VCF-style: chr17-75833036-G-A. GRCh37 (hg19) VCF-style: chr17-73829117-G-A.
Other names: short protein forms P793S.
Identifiers: ClinVar variation 1021710 (VCV001021710.6), dbSNP rs772555038, ClinGen allele CA8772564.

ClinVar aggregate classification (germline): Uncertain significance (1 of 4 stars; one submission).

Conditions:
Familial hemophagocytic lymphohistiocytosis 3 (FHL3). Also called: UNC13D-Related Familial Hemophagocytic Lymphohistiocytosis (UNC13D-fHLH). Identifiers: Orphanet 540, MedGen C1837174, MONDO:0012146, OMIM 608898.

Allele frequency attached by ClinVar (database versions not stated): ExAC 0.00001; gnomAD exomes 0.00001.
gnomAD v4.1: 3 of 1,605,420 alleles (0.00019%); highest among the groups gnomAD compares: Admixed American, 0.0051%; no homozygotes.

Submission:

Labcorp Genetics (formerly Invitae), Labcorp
Classification: Uncertain significance for Familial hemophagocytic lymphohistiocytosis 3. Last evaluated: 2022-08-19. Review status: criteria provided, single submitter. Criteria: Invitae Variant Classification Sherloc (09022015). Collection method: clinical testing. Allele origin: germline.
Comment: This sequence change replaces proline, which is neutral and non-polar, with serine, which is neutral and polar, at codon 793 of the UNC13D protein (p.Pro793Ser). The frequency data for this variant in the population databases is considered unreliable, as metrics indicate poor data quality at this position in the gnomAD database. This variant has not been reported in the literature in individuals affected with UNC13D-related conditions. ClinVar contains an entry for this variant (Variation ID: 1021710). Algorithms developed to predict the effect of missense changes on protein structure and function are either unavailable or do not agree on the potential impact of this missense change (SIFT: "Not Available"; PolyPhen-2: "Probably Damaging"; Align-GVGD: "Not Available"). In summary, the available evidence is currently insufficient to determine the role of this variant in disease. Therefore, it has been classified as a Variant of Uncertain Significance.